The following is an entry in ClinVar:

ClinVar aggregate classification (germline): Benign (1 of 4 stars; one submission).

Submission:

ISCA site 4
Classification: Benign. Last evaluated: 2011-08-12. Review status: criteria provided, single submitter. Criteria: Kaminsky et al. (Genet Med. 2011). Collection method: clinical testing. Allele origin: unknown. Affected: yes. Observed: 23 variant alleles. Clinical features observed: Developmental delay AND/OR other significant developmental or morphological phenotypes, Abnormality of the cardiovascular system (HP:0001626), Ventricular septal defect (HP:0001629), Genital hypoplasia (HP:0003241), Autism (HP:0000717), Genu valgum (HP:0002857), Delayed speech and language development (HP:0002116), Primum atrial septal defect (HP:0010445), Seizure (HP:0001250), Global developmental delay (HP:0001263), Expressive language delay (HP:0002474), Microcephaly (HP:0000252), and 7 more.
Comment: Copy number variation identified through the course of routine clinical cytogenomic testing in postnatal populations. Clinical assertions have been curated as described in Kaminsky et al. 2011.

GRCh38/hg38 8p23.1(chr8:7411297-8222398)x1

Genes: DEFB103A (defensin beta 103A; plus strand), DEFB103B (defensin beta 103B), DEFB104A (defensin beta 104A; plus strand), DEFB104B (defensin beta 104B), DEFB105A (defensin beta 105A; minus strand) and 32 more. Cytogenetic location: 8p23.1.
Variant type: copy number loss.
Change: copy number 1 (one copy instead of two) of chr8:7,411,297-8,222,398 (811.1 kb, GRCh38 coordinates, 1-based), cytogenetic band 8p23.1.
Identifiers: ClinVar variation 161012 (VCV000161012.1).